The following is an entry in ClinVar:

NM_139276.3(STAT3):c.1743C>T (p.Asn581=)

Gene: STAT3 (signal transducer and activator of transcription 3; minus strand). Cytogenetic location: 17q21.2.
Variant type: single nucleotide variant.
Coding change: c.1743C>T on transcript NM_139276.3 (MANE Select); coding-DNA position 1743, C replaced by T.
Protein change: p.Asn581=; no amino-acid change (asparagine 581 retained).
Molecular consequence: synonymous variant. On other transcripts: intron variant (1).
Genome position (GRCh38, 1-based): chr17:42,323,265, G>A on the plus strand (C>T on the coding strand, the complement: STAT3 is on the minus strand). VCF-style: chr17-42323265-G-A. GRCh37 (hg19) VCF-style: chr17-40475283-G-A.
Other names: c.1743C>T, p.Asn581= (NM_001369512.1, NM_001369513.1, NM_001369514.1 and 9 more transcripts); c.1659C>T, p.Asn553= (NM_001384984.1); c.1665C>T, p.Asn555= (NM_001384985.1); c.1758C>T, p.Asn586= (NM_001384986.1, NM_001384990.1); c.1722C>T, p.Asn574= (NM_001384987.1); c.1647C>T, p.Asn549= (NM_001384989.1); c.1683C>T, p.Asn561= (NM_001384992.1); c.1721+22C>T (NM_001384991.1).
Identifiers: ClinVar variation 1170478 (VCV001170478.34), dbSNP rs1141144, ClinGen allele CA8575233.

ClinVar aggregate classification (germline): Benign/Likely benign. Review status: criteria provided, multiple submitters, no conflicts (2 of 4 stars). 3 submissions from 3 submitters: Benign (1); Likely benign (2). Last evaluated 2025-10-01.

Conditions:
Hyper-IgE recurrent infection syndrome 1, autosomal dominant. Also called: HYPER-IgE SYNDROME 1, AUTOSOMAL DOMINANT, WITH RECURRENT INFECTIONS; STAT3 Hyper IgE Syndrome; JOB SYNDROME; Job's Syndrome; Hyper-IgE recurrent infection syndrome 1. Identifiers: Orphanet 2314, MedGen C2936739, MONDO:0007818, OMIM 147060.
STAT3 gain of function. Identifiers: MedGen C4288261.

Allele frequency attached by ClinVar (database versions not stated): gnomAD 0.00001 and 0.00008; TOPMed 0.00002; gnomAD exomes 0.00011 and 0.00022; ExAC 0.00025; 1000 Genomes Project 30x 0.00047; 1000 Genomes Project 0.00060.
gnomAD v4.1: 177 of 1,614,168 alleles (0.011%); highest among the groups gnomAD compares: South Asian, 0.13%; 1 homozygote.

Submissions (3):

CeGaT Center for Human Genetics Tuebingen
Classification: Likely benign. Last evaluated: 2025-10-01. Review status: criteria provided, single submitter. Criteria: CeGaT Center For Human Genetics Tuebingen Variant Classification Criteria Version 2. Collection method: clinical testing. Allele origin: germline. Affected: yes. Observed: 3 variant alleles.
Comment: STAT3: BP4, BP7

Labcorp Genetics (formerly Invitae), Labcorp
Classification: Benign for STAT3 gain of function; Hyper-IgE recurrent infection syndrome 1, autosomal dominant. Last evaluated: 2025-06-22. Review status: criteria provided, single submitter. Criteria: Invitae Variant Classification Sherloc (09022015). Collection method: clinical testing. Allele origin: germline.

Blueprint Genetics
Classification: Likely benign. Last evaluated: 2024-11-06. Review status: criteria provided, single submitter. Criteria: ACMG Guidelines, 2015. Collection method: clinical testing. Allele origin: germline.